The following is an entry in ClinVar:

ClinVar aggregate classification (germline): Pathogenic (1 of 4 stars; one submission).

Submission:

Labcorp Genetics (formerly Invitae), Labcorp
Classification: Pathogenic. Last evaluated: 2025-10-13. Review status: criteria provided, single submitter. Criteria: Invitae Variant Classification Sherloc (09022015). Collection method: clinical testing. Allele origin: germline.
Comment: This sequence change creates a premature translational stop signal (p.His3134Thrfs*20) in the ZNF469 gene. While this is not anticipated to result in nonsense mediated decay, it is expected to disrupt the last 792 amino acid(s) of the ZNF469 protein. The frequency data for this variant in the population databases is considered unreliable, as metrics indicate poor data quality at this position in the gnomAD database. This premature translational stop signal has been observed in individual(s) with brittle cornea syndrome (PMID: 23680354). This variant is also known as c.9483delG. ClinVar contains an entry for this variant (Variation ID: 2736376). This variant disrupts a region of the ZNF469 protein in which other variant(s) (p.Pro3556Glnfs*136) have been determined to be pathogenic (PMID: 32671420). This suggests that this is a clinically significant region of the protein, and that variants that disrupt it are likely to be disease-causing. For these reasons, this variant has been classified as Pathogenic.

Literature cited by the submitters: PubMed 23680354; PubMed 32671420.

NM_001367624.2(ZNF469):c.9483del (p.His3162fs)

Gene: ZNF469 (zinc finger protein 469; plus strand). Cytogenetic location: 16q24.2.
Variant type: Deletion.
Coding change: c.9483del on transcript NM_001367624.2 (MANE Select); coding-DNA position 9483, one base deleted (G; older notation c.9483delG).
Protein change: p.His3162fs; shifts the reading frame from histidine 3162.
Molecular consequence: frameshift variant.
Genome position (GRCh38, 1-based): chr16:88,436,953, G deleted; the last of 5 consecutive G bases (chr16:88,436,949-88,436,953); deleting any one gives the same sequence. VCF-style (leftmost placement, unchanged base first): chr16-88436948-CG-C. GRCh37 (hg19) VCF-style: chr16-88503356-CG-C.
Other names: short protein forms H3162fs.
Identifiers: ClinVar variation 2736376 (VCV002736376.3), dbSNP rs1597213727, ClinGen allele CA624447624.